The following is an entry in ClinVar:

ClinVar aggregate classification (germline): Pathogenic (1 of 4 stars; one submission).

Conditions:
GLUT1 deficiency syndrome 1, autosomal recessive. Identifiers: MedGen C3149117.

Submission:

Labcorp Genetics (formerly Invitae), Labcorp
Classification: Pathogenic for GLUT1 deficiency syndrome 1, autosomal recessive. Last evaluated: 2022-02-25. Review status: criteria provided, single submitter. Criteria: Invitae Variant Classification Sherloc (09022015). Collection method: clinical testing. Allele origin: germline.
Comment: For these reasons, this variant has been classified as Pathogenic. This variant disrupts the p.Glu329 amino acid residue in SLC2A1. Other variant(s) that disrupt this residue have been determined to be pathogenic (Invitae). This suggests that this residue is clinically significant, and that variants that disrupt this residue are likely to be disease-causing. Experimental studies have shown that this missense change affects SLC2A1 function (PMID: 30588498). Advanced modeling of protein sequence and biophysical properties (such as structural, functional, and spatial information, amino acid conservation, physicochemical variation, residue mobility, and thermodynamic stability) performed at Invitae indicates that this missense variant is expected to disrupt SLC2A1 protein function. This missense change has been observed in individual(s) with GLUT1 deficiency syndrome (PMID: 20129935). This variant is not present in population databases (gnomAD no frequency). This sequence change replaces glutamic acid, which is acidic and polar, with glutamine, which is neutral and polar, at codon 329 of the SLC2A1 protein (p.Glu329Gln).

Literature cited by the submitters: PubMed 30588498; PubMed 20129935.

NM_006516.4(SLC2A1):c.985G>C (p.Glu329Gln)

Gene: SLC2A1 (solute carrier family 2 member 1; minus strand). Cytogenetic location: 1p34.2.
Variant type: single nucleotide variant.
Coding change: c.985G>C on transcript NM_006516.4 (MANE Select); coding-DNA position 985, G replaced by C.
Protein change: p.Glu329Gln; replaces glutamic acid 329 with glutamine.
Molecular consequence: missense variant.
Genome position (GRCh38, 1-based): chr1:42,929,021, C>G on the plus strand (G>C on the coding strand, the complement: SLC2A1 is on the minus strand). VCF-style: chr1-42929021-C-G. GRCh37 (hg19) VCF-style: chr1-43394692-C-G.
Other names: short protein forms E329Q.
Identifiers: ClinVar variation 2202741 (VCV002202741.4), dbSNP rs2124448063, ClinGen allele CA339956096.